The following is an entry in ClinVar:

ClinVar aggregate classification (germline): Uncertain significance. Review status: criteria provided, multiple submitters, no conflicts (2 of 4 stars). 2 submissions from 2 submitters: Uncertain significance (2). Last evaluated 2025-08-18.

Conditions:
Myofibrillar myopathy 5. Also called: FILAMINOPATHY, AUTOSOMAL DOMINANT; Filaminopathy (type). Identifiers: Orphanet 171445, MedGen C1836050, MONDO:0012289, OMIM 609524.
Distal myopathy with posterior leg and anterior hand involvement. Also called: WILLIAMS DISTAL MYOPATHY. Identifiers: Orphanet 63273, MedGen C3279722, MONDO:0013550, OMIM 614065.
Hypertrophic cardiomyopathy 26. Also called: Cardiomyopathy, familial hypertrophic, 26. Identifiers: Orphanet 75249, MedGen C4310749, MONDO:0014883, OMIM 617047.
Cardiovascular phenotype. Identifiers: MedGen CN230736.

Allele frequency attached by ClinVar (database versions not stated): TOPMed 0.00001.

Submissions (2):

Labcorp Genetics (formerly Invitae), Labcorp
Classification: Uncertain significance for Distal myopathy with posterior leg and anterior hand involvement; Myofibrillar myopathy 5; Hypertrophic cardiomyopathy 26. Last evaluated: 2025-08-18. Review status: criteria provided, single submitter. Criteria: Invitae Variant Classification Sherloc (09022015). Collection method: clinical testing. Allele origin: germline.
Comment: This sequence change replaces alanine, which is neutral and non-polar, with valine, which is neutral and non-polar, at codon 1368 of the FLNC protein (p.Ala1368Val). This variant is not present in population databases (gnomAD no frequency). This variant has not been reported in the literature in individuals affected with FLNC-related conditions. ClinVar contains an entry for this variant (Variation ID: 860150). Invitae Evidence Modeling of protein sequence and biophysical properties (such as structural, functional, and spatial information, amino acid conservation, physicochemical variation, residue mobility, and thermodynamic stability) has been performed for this missense variant. However, the output from this modeling did not meet the statistical confidence thresholds required to predict the impact of this variant on FLNC protein function. In summary, the available evidence is currently insufficient to determine the role of this variant in disease. Therefore, it has been classified as a Variant of Uncertain Significance.

Ambry Genetics
Classification: Uncertain significance for Cardiovascular phenotype. Last evaluated: 2023-12-13. Review status: criteria provided, single submitter. Criteria: Ambry Variant Classification Scheme 2023. Collection method: clinical testing. Allele origin: germline.

NM_001458.5(FLNC):c.4103C>T (p.Ala1368Val)

Gene: FLNC (filamin C; plus strand). Cytogenetic location: 7q32.1.
Variant type: single nucleotide variant.
Coding change: c.4103C>T on transcript NM_001458.5 (MANE Select); coding-DNA position 4103, C replaced by T.
Protein change: p.Ala1368Val; replaces alanine 1368 with valine.
Molecular consequence: missense variant.
Genome position (GRCh38, 1-based): chr7:128,846,439, C>T. VCF-style: chr7-128846439-C-T. GRCh37 (hg19) VCF-style: chr7-128486493-C-T.
Other names: c.4103C>T, p.Ala1368Val (NM_001127487.2); short protein forms A1368V.
Identifiers: ClinVar variation 860150 (VCV000860150.11), dbSNP rs896305338, ClinGen allele CA166180430.